The following is an entry in ClinVar:

NM_024642.5(GALNT12):c.692G>T (p.Cys231Phe)

Gene: GALNT12 (polypeptide N-acetylgalactosaminyltransferase 12; plus strand). Cytogenetic location: 9q22.33.
Variant type: single nucleotide variant.
Coding change: c.692G>T on transcript NM_024642.5 (MANE Select); coding-DNA position 692, G replaced by T.
Protein change: p.Cys231Phe; replaces cysteine 231 with phenylalanine.
Molecular consequence: missense variant.
Genome position (GRCh38, 1-based): chr9:98,826,902, G>T. VCF-style: chr9-98826902-G-T. GRCh37 (hg19) VCF-style: chr9-101589184-G-T.
Other names: short protein forms C231F.
Identifiers: ClinVar variation 3518469 (VCV003518469.1).

ClinVar aggregate classification (germline): Uncertain significance (1 of 4 stars; one submission).

Submission:

Ambry Genetics
Classification: Uncertain significance. Last evaluated: 2024-11-03. Review status: criteria provided, single submitter. Criteria: Ambry Variant Classification Scheme 2023. Collection method: clinical testing. Allele origin: germline.
Comment: The p.C231F variant (also known as c.692G>T), located in coding exon 3 of the GALNT12 gene, results from a G to T substitution at nucleotide position 692. The cysteine at codon 231 is replaced by phenylalanine, an amino acid with highly dissimilar properties. This amino acid position is conserved. In addition, this alteration is predicted to be deleterious by in silico analysis. Based on the available evidence, the clinical significance of this variant remains unclear.